The following is an entry in ClinVar:

ClinVar aggregate classification (germline): Uncertain significance (1 of 4 stars; one submission).

Submission:

GeneDx
Classification: Uncertain significance. Last evaluated: 2024-10-25. Review status: criteria provided, single submitter. Criteria: GeneDx Variant Classification Process June 2021. Collection method: clinical testing. Allele origin: germline. Affected: yes.
Comment: Not observed at significant frequency in large population cohorts (gnomAD); In silico analysis indicates that this missense variant does not alter protein structure/function; Has not been previously published as pathogenic or benign to our knowledge

NM_001318852.2(MAPK8IP3):c.1888T>G (p.Phe630Val)

Gene: MAPK8IP3 (mitogen-activated protein kinase 8 interacting protein 3; plus strand). Cytogenetic location: 16p13.3.
Variant type: single nucleotide variant.
Coding change: c.1888T>G on transcript NM_001318852.2 (MANE Select); coding-DNA position 1888, T replaced by G.
Protein change: p.Phe630Val; replaces phenylalanine 630 with valine.
Molecular consequence: missense variant.
Genome position (GRCh38, 1-based): chr16:1,762,996, T>G. VCF-style: chr16-1762996-T-G. GRCh37 (hg19) VCF-style: chr16-1812997-T-G.
Other names: c.1867T>G, p.Phe623Val (NM_001040439.2); c.1885T>G, p.Phe629Val (NM_015133.5); short protein forms F623V, F629V, F630V.
Identifiers: ClinVar variation 3893547 (VCV003893547.1).